The following is an entry in ClinVar:

NM_018076.5(ODAD2):c.2257C>T (p.Arg753Trp)

Gene: ODAD2 (outer dynein arm docking complex subunit 2; minus strand). Cytogenetic location: 10p12.1.
Variant type: single nucleotide variant.
Coding change: c.2257C>T on transcript NM_018076.5 (MANE Select); coding-DNA position 2257, C replaced by T.
Protein change: p.Arg753Trp; replaces arginine 753 with tryptophan.
Molecular consequence: missense variant.
Genome position (GRCh38, 1-based): chr10:27,935,248, G>A on the plus strand (C>T on the coding strand, the complement: ODAD2 is on the minus strand). VCF-style: chr10-27935248-G-A. GRCh37 (hg19) VCF-style: chr10-28224177-G-A.
Other names: c.2257C>T, p.Arg753Trp (NM_001290020.2); c.832C>T, p.Arg278Trp (NM_001290021.2); c.1333C>T, p.Arg445Trp (NM_001312689.2); short protein forms R753W, R445W, R278W.
Identifiers: ClinVar variation 576315 (VCV000576315.7), dbSNP rs763662864, ClinGen allele CA5453244.

ClinVar aggregate classification (germline): Uncertain significance. Review status: criteria provided, multiple submitters, no conflicts (2 of 4 stars). 2 submissions from 2 submitters: Uncertain significance (2). Last evaluated 2025-02-11.

Conditions:
Primary ciliary dyskinesia 23 (CILD23). Also called: CILIARY DYSKINESIA, PRIMARY, 23, WITH OR WITHOUT SITUS INVERSUS. Identifiers: Orphanet 244, MedGen C3809548, MONDO:0014193, OMIM 615451.
Primary ciliary dyskinesia. Also called: Ciliary dyskinesia. Identifiers: Orphanet 244, MedGen C0008780, MONDO:0016575, HP:0012265.

Allele frequency attached by ClinVar (database versions not stated): ExAC 0.00002; gnomAD exomes 0.00003; TOPMed 0.00003; gnomAD 0.00005.
gnomAD v4.1: 43 of 1,613,488 alleles (0.0027%); highest among the groups gnomAD compares: East Asian, 0.033%; no homozygotes.

Submissions (2):

Labcorp Genetics (formerly Invitae), Labcorp
Classification: Uncertain significance for Primary ciliary dyskinesia 23. Last evaluated: 2025-02-11. Review status: criteria provided, single submitter. Criteria: Invitae Variant Classification Sherloc (09022015). Collection method: clinical testing. Allele origin: germline.
Comment: This sequence change replaces arginine, which is basic and polar, with tryptophan, which is neutral and slightly polar, at codon 753 of the ARMC4 protein (p.Arg753Trp). This variant is present in population databases (rs763662864, gnomAD 0.01%). This variant has not been reported in the literature in individuals affected with ARMC4-related conditions. ClinVar contains an entry for this variant (Variation ID: 576315). An algorithm developed to predict the effect of missense changes on protein structure and function (PolyPhen-2) suggests that this variant is likely to be disruptive. In summary, the available evidence is currently insufficient to determine the role of this variant in disease. Therefore, it has been classified as a Variant of Uncertain Significance.

Ambry Genetics
Classification: Uncertain significance for Primary ciliary dyskinesia. Last evaluated: 2024-06-16. Review status: criteria provided, single submitter. Criteria: Ambry Variant Classification Scheme 2023. Collection method: clinical testing. Allele origin: germline.